The following is an entry in ClinVar:

ClinVar aggregate classification (germline): Pathogenic. Review status: criteria provided, multiple submitters, no conflicts (2 of 4 stars). 5 submissions from 5 submitters: Pathogenic (5). Last evaluated 2022-12-20.

Conditions:
Alagille syndrome due to a JAG1 point mutation. Also called: HEPATIC DUCTULAR HYPOPLASIA, SYNDROMATIC; Alagille Syndrome 1; JAG1-Related Alagille Syndrome. Identifiers: Orphanet 261619, Orphanet 52, MedGen C1956125, MONDO:0016862, OMIM 118450.

Submissions (5):

Labcorp Genetics (formerly Invitae), Labcorp
Classification: Pathogenic for Alagille syndrome due to a JAG1 point mutation. Last evaluated: 2022-12-20. Review status: criteria provided, single submitter. Criteria: Invitae Variant Classification Sherloc (09022015). Collection method: clinical testing. Allele origin: germline.
Comment: ClinVar contains an entry for this variant (Variation ID: 500252). This premature translational stop signal has been observed in individual(s) with Alagille syndrome (PMID: 10220506, 34185059). This variant is not present in population databases (gnomAD no frequency). This sequence change creates a premature translational stop signal (p.Cys633*) in the JAG1 gene. It is expected to result in an absent or disrupted protein product. Loss-of-function variants in JAG1 are known to be pathogenic (PMID: 11180599). For these reasons, this variant has been classified as Pathogenic.

Department of Human Genetics, Hannover Medical School
Classification: Pathogenic for Alagille syndrome due to a JAG1 point mutation. Last evaluated: 2021-11-30. Review status: criteria provided, single submitter. Criteria: ACMG Guidelines, 2015. Collection method: clinical testing. Allele origin: germline. Inheritance: Autosomal recessive inheritance. Affected: yes.

MGZ Medical Genetics Center
Classification: Pathogenic for Alagille syndrome due to a JAG1 point mutation. Last evaluated: 2021-09-13. Review status: criteria provided, single submitter. Criteria: ACMG Guidelines, 2015. Collection method: clinical testing. Allele origin: germline. Affected: yes. Observed: 1 variant allele.
Comment: ACMG criteria applied: PVS1, PS4_MOD, PM6, PM2_SUP

GeneDx
Classification: Pathogenic. Last evaluated: 2020-12-22. Review status: criteria provided, single submitter. Criteria: GeneDx Variant Classification Process June 2021. Collection method: clinical testing. Allele origin: germline. Affected: yes.
Comment: Nonsense variant predicted to result in protein truncation or nonsense mediated decay in a gene for which loss-of-function is a known mechanism of disease; Not observed in large population cohorts (Lek et al., 2016); This variant is associated with the following publications: (PMID: 26076142, 31343788, 10220506)

Eurofins Ntd Llc (ga)
Classification: Pathogenic. Last evaluated: 2017-02-01. Review status: criteria provided, single submitter. Criteria: EGL Classification Definitions 2015. Collection method: clinical testing. Allele origin: germline. Observed: 1 variant allele, 1 heterozygote.

Literature cited by the submitters: PubMed 10220506 (cited by Labcorp Genetics (formerly Invitae), Labcorp and Eurofins Ntd Llc (ga)); PubMed 34185059 (cited by Labcorp Genetics (formerly Invitae), Labcorp); PubMed 11180599 (cited by Labcorp Genetics (formerly Invitae), Labcorp).

NM_000214.3(JAG1):c.1899_1900del (p.Cys633_Glu634delinsTer)

Gene: JAG1 (jagged canonical Notch ligand 1; minus strand). Cytogenetic location: 20p12.2.
Variant type: Microsatellite.
Coding change: c.1899_1900del on transcript NM_000214.3 (MANE Select); coding-DNA positions 1899 to 1900, 2 bases deleted (TG; older notation c.1899_1900delTG).
Protein change: p.Cys633_Glu634delinsTer.
Molecular consequence: nonsense.
Genome position (GRCh38, 1-based): chr20:10,646,070-10,646,071, CA deleted on the plus strand (TG on the coding strand, the reverse complement: JAG1 is on the minus strand); deleting any 2 consecutive bases within chr20:10,646,070-10,646,073 gives the same sequence; the c. name uses the placement nearest the transcript's 3' end. VCF-style (leftmost placement, unchanged base first): chr20-10646069-TCA-T. GRCh37 (hg19) VCF-style: chr20-10626717-TCA-T.
Identifiers: ClinVar variation 500252 (VCV000500252.12), dbSNP rs1555828321, ClinGen allele CA658799332.
Genomic context (GRCh38, chr20:10,646,069, plus strand): 5'-ATGCACTTGTAGGAGTTGACACCATCGATGCAAGTGCCACCGTTTCTACAAGGGTTGCTC[TCA>T]CAGTCATTAATATCTATGAAACAAAGTAAAGCAAAAAAAGAACTGAAGGACTTGTGAAGC-3'